The following is an entry in ClinVar:

ClinVar aggregate classification (germline): Likely pathogenic (1 of 4 stars; one submission).

Conditions:
Primary hyperoxaluria, type II (HP2). Also called: OXALOSIS II; Primary hyperoxaluria type 2; D-GLYCERATE DEHYDROGENASE DEFICIENCY; GLYCERIC ACIDURIA; GLYOXYLATE REDUCTASE/HYDROXYPYRUVATE REDUCTASE DEFICIENCY. Identifiers: Orphanet 416, Orphanet 93599, MedGen C0268165, MONDO:0009824, OMIM 260000. Disease mechanism: loss of function.

Allele frequency attached by ClinVar (database versions not stated): TOPMed 0.00002; ESP Exome Variant Server 0.00008.

Submission:

Rare Kidney Stone Consortium and the Mayo Clinic Hyperoxaluria Center, Mayo Clinic
Classification: Likely pathogenic for Primary hyperoxaluria, type II. Last evaluated: 2023-10-27. Review status: criteria provided, single submitter. Criteria: ACMG Guidelines, 2015. Collection method: curation. Allele origin: germline.
Comment: ACMG: PVS1 PM2 PM4

Literature cited by the submitters: PubMed 25644115.

NM_012203.2(GRHPR):c.780dup (p.Gly261fs)

Gene: GRHPR (glyoxylate and hydroxypyruvate reductase; plus strand). Cytogenetic location: 9p13.2.
Variant type: Duplication.
Coding change: c.780dup on transcript NM_012203.2 (MANE Select); coding-DNA position 780, one base duplicated (T; older notation c.780dupT).
Protein change: p.Gly261fs; shifts the reading frame from glycine 261.
Molecular consequence: frameshift variant.
Genome position (GRCh38, 1-based): chr9:37,432,053, T duplicated. VCF-style (leftmost placement, unchanged base first): chr9-37432052-G-GT. GRCh37 (hg19) VCF-style: chr9-37432049-G-GT.
Other names: short protein forms G261fs.
Identifiers: ClinVar variation 2664106 (VCV002664106.1), dbSNP rs1402853810, ClinGen allele CA373444441.